The following is an entry in ClinVar:

ClinVar aggregate classification (germline): Uncertain significance (1 of 4 stars; one submission).

Allele frequency attached by ClinVar (database versions not stated): TOPMed below 0.00001; gnomAD 0.00001.
gnomAD v4.1: 4 of 1,613,318 alleles (0.00025%); highest among the groups gnomAD compares: East Asian, 0.0022%; no homozygotes.

Submission:

Labcorp Genetics (formerly Invitae), Labcorp
Classification: Uncertain significance. Last evaluated: 2020-12-20. Review status: criteria provided, single submitter. Criteria: Invitae Variant Classification Sherloc (09022015). Collection method: clinical testing. Allele origin: germline.
Comment: This sequence change replaces alanine with valine at codon 2026 of the MPDZ protein (p.Ala2026Val). The alanine residue is highly conserved and there is a small physicochemical difference between alanine and valine. This variant is not present in population databases (ExAC no frequency). This variant has not been reported in the literature in individuals with MPDZ-related conditions. Algorithms developed to predict the effect of missense changes on protein structure and function are either unavailable or do not agree on the potential impact of this missense change (SIFT: "Deleterious"; PolyPhen-2: "Possibly Damaging"; Align-GVGD: "Class C0"). In summary, the available evidence is currently insufficient to determine the role of this variant in disease. Therefore, it has been classified as a Variant of Uncertain Significance.

NM_001378778.1(MPDZ):c.6164C>T (p.Ala2055Val)

Gene: MPDZ (multiple PDZ domain crumbs cell polarity complex component; minus strand). Cytogenetic location: 9p23.
Variant type: single nucleotide variant.
Coding change: c.6164C>T on transcript NM_001378778.1 (MANE Select); coding-DNA position 6164, C replaced by T.
Protein change: p.Ala2055Val; replaces alanine 2055 with valine.
Molecular consequence: missense variant.
Genome position (GRCh38, 1-based): chr9:13,107,014, G>A on the plus strand (C>T on the coding strand, the complement: MPDZ is on the minus strand). VCF-style: chr9-13107014-G-A. GRCh37 (hg19) VCF-style: chr9-13107013-G-A.
Other names: c.6065C>T, p.Ala2022Val (NM_001261406.2, NM_001375416.1, NM_001375417.1 and 1 more transcripts); c.5978C>T, p.Ala1993Val (NM_001261407.2, NM_001375419.1); c.6164C>T, p.Ala2055Val (NM_001330637.2); c.6263C>T, p.Ala2088Val (NM_001375413.1); c.5954C>T, p.Ala1985Val (NM_001375420.1, NM_001375421.1, NM_001375422.1 and 2 more transcripts); c.5867C>T, p.Ala1956Val (NM_001375425.1, NM_001375426.1); c.5756C>T, p.Ala1919Val (NM_001375427.1); c.6077C>T, p.Ala2026Val (NM_003829.5); short protein forms A2055V, A1956V, A2022V, A1919V, A1985V, A2088V, A1993V, A2026V.
Identifiers: ClinVar variation 1509711 (VCV001509711.7), dbSNP rs1206280046, ClinGen allele CA372938227.